The following is an entry in ClinVar:

ClinVar aggregate classification (germline): Uncertain significance. Review status: criteria provided, multiple submitters, no conflicts (2 of 4 stars). 2 submissions from 2 submitters: Uncertain significance (2). Last evaluated 2024-10-21.

Conditions:
Diamond-Blackfan anemia. Also called: Blackfan Diamond syndrome; Aregenerative anemia chronic congenital; Red cell aplasia, pure hereditary; Congenital hypoplastic anemia; Aase syndrome. Identifiers: Orphanet 124, MedGen C1260899, MeSH D029503, MONDO:0015253, HP:0004810.

Allele frequency attached by ClinVar (database versions not stated): gnomAD exomes 0.00001.
gnomAD v4.1: 4 of 1,614,154 alleles (0.00025%); highest among the groups gnomAD compares: Non-Finnish European, 0.00025%; no homozygotes.

Submissions (2):

Labcorp Genetics (formerly Invitae), Labcorp
Classification: Uncertain significance for Diamond-Blackfan anemia. Last evaluated: 2024-10-21. Review status: criteria provided, single submitter. Criteria: Invitae Variant Classification Sherloc (09022015). Collection method: clinical testing. Allele origin: germline.
Comment: This sequence change replaces glycine, which is neutral and non-polar, with cysteine, which is neutral and slightly polar, at codon 135 of the RPS10 protein (p.Gly135Cys). This variant is not present in population databases (gnomAD no frequency). This variant has not been reported in the literature in individuals affected with RPS10-related conditions. ClinVar contains an entry for this variant (Variation ID: 2302403). An algorithm developed to predict the effect of missense changes on protein structure and function (PolyPhen-2) suggests that this variant is likely to be disruptive. In summary, the available evidence is currently insufficient to determine the role of this variant in disease. Therefore, it has been classified as a Variant of Uncertain Significance.

Ambry Genetics
Classification: Uncertain significance. Last evaluated: 2022-07-19. Review status: criteria provided, single submitter. Criteria: Ambry Variant Classification Scheme 2023. Collection method: clinical testing. Allele origin: germline.

NM_001014.5(RPS10):c.403G>T (p.Gly135Cys)

Genes: RPS10-NUDT3 (RPS10-NUDT3 readthrough; minus strand), RPS10 (ribosomal protein S10; minus strand). Cytogenetic location: 6p21.31.
Variant type: single nucleotide variant.
Coding change: c.403G>T on transcript NM_001014.5 (MANE Select); coding-DNA position 403, G replaced by T.
Protein change: p.Gly135Cys; replaces glycine 135 with cysteine.
Molecular consequence: missense variant.
Genome position (GRCh38, 1-based): chr6:34,418,422, C>A on the plus strand (G>T on the coding strand, the complement: RPS10 is on the minus strand). VCF-style: chr6-34418422-C-A. GRCh37 (hg19) VCF-style: chr6-34386199-C-A.
Other names: c.403G>T, p.Gly135Cys (NM_001202470.3, NM_001203245.3, NM_001204091.2); short protein forms G135C.
Identifiers: ClinVar variation 2302403 (VCV002302403.5), dbSNP rs2533008356, ClinGen allele CA363886110.